The following continues an entry in ClinVar:

NM_001077365.2(POMT1):c.2101dup (p.Asp701fs)

Gene: POMT1. ClinVar aggregate classification (germline): Pathogenic. Pathogenic (19).

Submissions 9 to 21 of 21:

Broad Center for Mendelian Genomics, Broad Institute of MIT and Harvard
Classification: Pathogenic for Muscular dystrophy-dystroglycanopathy, type C. Last evaluated: 2023-05-02. Review status: criteria provided, single submitter. Criteria: ACMG Guidelines, 2015. Collection method: curation. Allele origin: germline. Inheritance: Autosomal recessive inheritance.
Comment: The p.Asp723GlyfsTer8 variant in POMT1 has been previously reported in more than 24 unrelated individuals with POMT1-associated muscular dystrophy-dystroglycanopathy (PMID: 31311558, PMID: 24304607, PMID: 12369018, PMID: 17559086, PMID: 18752264, PMID: 18640039, PMID: 16575835, PMID: 24491487) and segregated with disease in 11 affected relatives from 4 families (PMID: 3131155, PMID: 18640039), but has been identified in 0.06% (2/3470) of Ashkenazi Jewish chromosomes by the Genome Aggregation Database (gnomAD; dbSNP: rs398124245). Although this variant has been seen in the general population in a heterozygous state, its frequency is not high enough to rule out a pathogenic role. Of these 24 previously reported unrelated affected individuals (PMID: 31311558, PMID: 24304607, PMID: 12369018, PMID: 17559086, PMID: 18752264, PMID: 18640039, PMID: 16575835, PMID: 24491487), 3 were homozygotes (PMID: 24491487, PMID: 16575835, PMID: 31311558), 5 were compound heterozygotes who carried pathogenic or likely pathogenic variants in trans (PMID: 18640039, dbSNP ID: rs1402329255; PMID: 17559086, NC_000009.12:g.131515513_131515514del; PMID: 31311558, ClinVar Variation ID: 95452, PMID: 24491487, ClinVar Variation ID: 194962), and 5 were compound heterozygotes who carried pathogenic or likely pathogenic variants in unknown phase (PMID: 24491487, ClinVar Variation ID: 1458255, 194757, 2413915, 3250, NC_000009.12:g.131504299dup), which increases the likelihood that the p.Asp723GlyfsTer8 variant is pathogenic. This variant has also been reported in ClinVar (Variation ID: 3255) and has been interpreted as pathogenic by multiple submitters. This variant is predicted to cause a frameshift, which alters the protein‚Äôs amino acid sequence beginning at position 723 and leads to a premature termination codon 8 amino acids downstream. This termination codon occurs within the terminal 50 bases of the last exon and is more likely to escape nonsense mediated decay (NMD) and result in a truncated protein. Loss of function of the POMT1 gene is an established disease mechanism in autosomal recessive POMT1-associated muscular dystrophy-dystroglycanopathy. In summary, this variant meets criteria to be classified as pathogenic for autosomal recessive POMT1-associated muscular dystrophy-dystroglycanopathy. ACMG/AMP Criteria applied: PVS1_Moderate, PM3_VeryStrong, PP1_Strong (Richards 2015).

Department of Pathology and Laboratory Medicine, Sinai Health System
Classification: Pathogenic for Autosomal recessive limb-girdle muscular dystrophy type 2K; Muscular dystrophy-dystroglycanopathy (congenital with impaired intellectual development), type B, 1; Muscular dystrophy-dystroglycanopathy (congenital with brain and eye anomalies), type A1. Last evaluated: 2023-03-20. Review status: criteria provided, single submitter. Criteria: ACMG Guidelines, 2015. Collection method: research. Allele origin: germline.

Ambry Genetics
Classification: Pathogenic for Inborn genetic diseases. Last evaluated: 2022-01-07. Review status: criteria provided, single submitter. Criteria: Ambry Variant Classification Scheme 2023. Collection method: clinical testing. Allele origin: germline.
Comment: The c.2167dupG (p.D723Gfs*8) alteration, located in exon 20 (coding exon 19) of the POMT1 gene, consists of a duplication of G at position 2167, causing a translational frameshift with a predicted alternate stop codon after 8 amino acids. This alteration occurs at the 3' terminus of the POMT1 gene, is not expected to trigger nonsense-mediated mRNA decay, and impacts the last 25 amino acids of the protein. However, premature stop codons are typically deleterious in nature. This mutation has been reported in several individuals with POMT1-related dystroglycanopathies in the homozygous and compound heterozygous state (Beltr&aacute;n-Valero de Bernab&eacute;, 2002; van Reeuwijk, 2006; Manzini, 2008; Wallace, 2014; Geis, 2019). Based on the available evidence, this alteration is classified as pathogenic.

Genetics Institute, Tel Aviv Sourasky Medical Center
Classification: Pathogenic for Abnormal brainstem morphology; Ventriculomegaly. Last evaluated: 2021-05-12. Review status: criteria provided, single submitter. Criteria: ACMG Guidelines, 2015. Collection method: clinical testing. Allele origin: inherited. Inheritance: Autosomal recessive inheritance.

Illumina Laboratory Services, Illumina
Classification: Pathogenic for POMT1-Related Disorders. Last evaluated: 2018-08-22. Review status: criteria provided, single submitter. Criteria: ICSL Variant Classification Criteria 09 May 2019. Collection method: clinical testing. Allele origin: germline.
Comment: The POMT1 c.2167dupG (p.Asp723GlyfsTer8) variant results in a frameshift, and is predicted to result in premature termination of the protein. The p.Asp723GlyfsTer8 variant, also referred to as c.2163_2164insG, has been reported in seven studies in a total of 19 patients with POMT1-related disorders, including in two in a homozygous state, 15 in a compound heterozygous state, and two in a heterozygous state in whom a second variant was not identified (Beltran-Valero de Bernabe et al. 2002; van Reeuwijk et al. 2006; Bouchet et al. 2007; Vajsar et al. 2008; Manzini et al. 2008; Devisme et al. 2012; Wallace et al. 2014). The majority of patients were affected with Walker-Warburg syndrome or, more generally, congenital muscular dystrophy. The p.Asp723GlyfsTer8 variant was absent from 298 controls and is reported at a frequency of 0.001291 in the Ashkenazi Jewish population of the Genome Aggregation Database. Based on the evidence, the p.Asp723GlyfsTer8 variant is classified as pathogenic for POMT1-related disorders. This variant was observed by ICSL as part of a predisposition screen in an ostensibly healthy population.

Genetic Services Laboratory, University of Chicago
Classification: Pathogenic. Last evaluated: 2017-12-07. Review status: criteria provided, single submitter. Criteria: ACMG Guidelines, 2015. Collection method: clinical testing. Allele origin: germline. Affected: yes.

CeGaT Center for Human Genetics Tuebingen
Classification: Pathogenic. Last evaluated: 2017-10-01. Review status: criteria provided, single submitter. Criteria: CeGaT Center For Human Genetics Tuebingen Variant Classification Criteria Version 2. Collection method: clinical testing. Allele origin: germline. Affected: yes. Observed: 2 variant alleles.

Centre for Mendelian Genomics, University Medical Centre Ljubljana
Classification: Pathogenic for Muscular dystrophy-dystroglycanopathy (congenital with brain and eye anomalies), type A1. Last evaluated: 2016-01-01. Review status: criteria provided, single submitter. Criteria: ACMG Guidelines, 2015. Collection method: clinical testing. Allele origin: unknown. Affected: yes.
Comment: This variant was classified as: Pathogenic.

Eurofins Ntd Llc (ga)
Classification: Pathogenic. Last evaluated: 2015-11-02. Review status: criteria provided, single submitter. Criteria: EGL Classification Definitions. Collection method: clinical testing. Allele origin: germline. Observed: 8 variant alleles, 7 heterozygotes, 1 homozygote.

Knight Diagnostic Laboratories, Oregon Health and Sciences University
Classification: Pathogenic for Muscular dystrophy-dystroglycanopathy (congenital with brain and eye anomalies), type A1. Last evaluated: 2015-07-24. Review status: criteria provided, single submitter. Criteria: ACMG Guidelines, 2015. Collection method: clinical testing. Allele origin: germline. Affected: no. Study: CSER-NextGen.
Comment: The c.2167dupG (p.Asp723Glyfs*730) frameshift variant in the POMT1 gene has been previously reported as homozygous (Wallace SE et al., 2014; van Reeuwijk J et al., 2006) as well as compound heterozygous (BeltrÃ¡n-Valero de BernabÃ© D et al., 2002; Wallace SE et al., 2014) in patients who were diagnosed with WWS. Functional studies using a skin biopsy from a WWS patient, who was heterozygous for variant, showed that the protein's molecular weight and binding to the basement membrane ligand, laminin were all affected. Furthermore, immunofluorescence staining of a muscle biopsy from a patient, who was homozygous for this variant, showed almost complete absence of Î±-dystroglycan expression (Wallace SE et al., 2014). The frequency of this variant is absent in the 1000Genome and Exome Sequencing Project databases and is very low in ExAC (<0.1%). Finally, reputable clinical databases have classified this variant as Pathogenic. In summary, the evidence meets our criteria for a Pathogenic classification. We have confirmed this finding in our laboratory using Sanger sequencing.

CENTOGENE GmbH and LLC - Guiding Precision Medicine
Classification: Pathogenic for Muscular dystrophy-dystroglycanopathy (congenital with brain and eye anomalies), type A1. Review status: criteria provided, single submitter. Criteria: ACMG Guidelines, 2015. Collection method: clinical testing. Allele origin: germline. Affected: yes.

PreventionGenetics, part of Exact Sciences
Classification: Pathogenic for POMT1-related condition. Last evaluated: 2024-02-12. Review status: no assertion criteria provided. Collection method: clinical testing. Allele origin: germline. Not counted in ClinVar's aggregate classification.
Comment: The POMT1 c.2167dupG variant is predicted to result in a frameshift and premature protein termination (p.Asp723Glyfs*8). This variant has been reported in the homozygous and compound heterozygous states to be causative for Walker-Warburg syndrome (Beltrán-Valero et al. 2002. PubMed ID: 12369018; Devisme et al. 2012. PubMed ID: 22323514; Wallace et al. 2014. PubMed ID: 24491487). This variant has also been reported in many unrelated individuals to be causative for a spectrum of congenital muscular dystrophies (Johnson et al. 2018. PubMed ID: 30060766; Wallace et al. 2014. PubMed ID: 24491487). This variant is reported in 0.12% of alleles in individuals of Ashkenazi Jewish descent in gnomAD. Frameshift variants in POMT1 are expected to be pathogenic. This variant is interpreted as pathogenic.

OMIM
Classification: Pathogenic for MUSCULAR DYSTROPHY-DYSTROGLYCANOPATHY (CONGENITAL WITH EYE AND BRAIN ANOMALIES), TYPE A, 1. Last evaluated: 2009-05-26. Review status: no assertion criteria provided. Collection method: literature only. Allele origin: germline. Not counted in ClinVar's aggregate classification.

Literature cited by the submitters: PubMed 12369018 (cited by 4 submitters); PubMed 16575835 (cited by 3 submitters); PubMed 17559086 (cited by Labcorp Genetics (formerly Invitae), Labcorp and Illumina Laboratory Services, Illumina); PubMed 22323514 (cited by Labcorp Genetics (formerly Invitae), Labcorp and Illumina Laboratory Services, Illumina); PubMed 24304607 (cited by Labcorp Genetics (formerly Invitae), Labcorp); PubMed 24491487 (cited by 3 submitters); PubMed 31311558 (cited by Victorian Clinical Genetics Services, Murdoch Childrens Research Institute and Ambry Genetics); PubMed 18752264 (cited by Ambry Genetics and Illumina Laboratory Services, Illumina); PubMed 18640039 (cited by Illumina Laboratory Services, Illumina); PubMed 23757202 (cited by Eurofins Ntd Llc (ga)); PubMed 32860008 (cited by CENTOGENE GmbH and LLC - Guiding Precision Medicine); PubMed 19299310 (cited by OMIM).